The following is an entry in ClinVar:

ClinVar aggregate classification (germline): Conflicting classifications of pathogenicity. Review status: criteria provided, conflicting classifications (1 of 4 stars). 3 submissions from 3 submitters: Uncertain significance (2); Benign (1). Last evaluated 2025-10-31.

Conditions:
KMT2D-related disorder. Also called: KMT2D-Related Disorders.
Kabuki syndrome. Also called: NIIKAWA-KUROKI SYNDROME; Kabuki make-up syndrome. Identifiers: Orphanet 2322, MedGen C0796004, MONDO:0016512.
Kabuki syndrome 1 (KABUK1). Also called: KMT2D-Related Kabuki Syndrome. Identifiers: Orphanet 2322, MedGen CN030661, MONDO:0007843, OMIM 147920.

Allele frequency attached by ClinVar (database versions not stated): gnomAD 0.00002; TOPMed 0.00002; ExAC 0.00004; gnomAD exomes 0.00004 and 0.00011; ESP Exome Variant Server 0.00008.
gnomAD v4.1: 161 of 1,613,956 alleles (0.01%); highest among the groups gnomAD compares: Non-Finnish European, 0.013%; no homozygotes.

Submissions (3):

Labcorp Genetics (formerly Invitae), Labcorp
Classification: Benign for Kabuki syndrome. Last evaluated: 2025-10-31. Review status: criteria provided, single submitter. Criteria: Invitae Variant Classification Sherloc (09022015). Collection method: clinical testing. Allele origin: germline.

PreventionGenetics, part of Exact Sciences
Classification: Uncertain significance for KMT2D-related condition. Last evaluated: 2025-02-26. Review status: criteria provided, single submitter. Criteria: ACMG Guidelines, 2015. Collection method: clinical testing. Allele origin: germline.
Comment: The KMT2D c.4865G>C variant is predicted to result in the amino acid substitution p.Gly1622Ala. To our knowledge, this variant has not been reported in the literature. This variant is reported in 0.0080% of alleles in individuals of European (Non-Finnish) descent in gnomAD. At this time, the clinical significance of this variant is uncertain due to the absence of conclusive functional and genetic evidence.

ARUP Laboratories, Molecular Genetics and Genomics, ARUP Laboratories
Classification: Uncertain significance for Kabuki syndrome 1. Last evaluated: 2019-04-05. Review status: criteria provided, single submitter. Criteria: ARUP Molecular Germline Variant Investigation Process. Collection method: clinical testing. Allele origin: germline.
Comment: The p.Gly1622Ala variant (rs377457393) has not been reported in the medical literature, gene specific variation databases, nor has it been previously identified by our laboratory. This variant is listed in the Genome Aggregation Database (gnomAD) with an overall population frequency of 0.008 percent in the European non-Finnish (identified on 9 out of 113,042 chromosomes) and has been reported to the ClinVar database (Variation ID: 309061). The glycine at position 1622 is moderately conserved and computational analyses of the effects of the p.Gly1622Ala variant on protein structure and function is deleterious (SIFT: damaging, PolyPhen-2: probably damaging). Altogether, there is not enough evidence to classify the p.Gly1622Ala variant with certainty.

NM_003482.4(KMT2D):c.4865G>C (p.Gly1622Ala)

Gene: KMT2D (lysine methyltransferase 2D; minus strand). Cytogenetic location: 12q13.12.
Variant type: single nucleotide variant.
Coding change: c.4865G>C on transcript NM_003482.4 (MANE Select); coding-DNA position 4865, G replaced by C.
Protein change: p.Gly1622Ala; replaces glycine 1622 with alanine.
Molecular consequence: missense variant.
Genome position (GRCh38, 1-based): chr12:49,044,842, C>G on the plus strand (G>C on the coding strand, the complement: KMT2D is on the minus strand). VCF-style: chr12-49044842-C-G. GRCh37 (hg19) VCF-style: chr12-49438625-C-G.
Other names: short protein forms G1622A.
Identifiers: ClinVar variation 309061 (VCV000309061.17), dbSNP rs377457393, ClinGen allele CA6547698.
Genomic context (GRCh38, chr12:49,044,842, plus strand): 5'-TCCTTCTTGTCATCAGGGCCAAGGGCATCTGAGGGCTCAGAACCCTCCAATCCTGCCTCG[C>G]CTGGGAGGCCAAGCCGTCCTCGCCGTTGGCGCCGCTTGTGCAGTGGTGACATGGTCAGGT-3'
Protein context (NP_003473.3, residues 1612-1632): RQRRGRLGLP[Gly1622Ala]EAGLEGSEPS